The following is an entry in ClinVar:

NM_000465.4(BARD1):c.262A>G (p.Thr88Ala)

Gene: BARD1 (BRCA1 associated RING domain 1; minus strand). Cytogenetic location: 2q35.
Variant type: single nucleotide variant.
Coding change: c.262A>G on transcript NM_000465.4 (MANE Select); coding-DNA position 262, A replaced by G.
Protein change: p.Thr88Ala; replaces threonine 88 with alanine.
Molecular consequence: missense variant. On other transcripts: non-coding transcript variant (1), intron variant (2).
Genome position (GRCh38, 1-based): chr2:214,792,399, T>C on the plus strand (A>G on the coding strand, the complement: BARD1 is on the minus strand). VCF-style: chr2-214792399-T-C. GRCh37 (hg19) VCF-style: chr2-215657123-T-C.
Other names: c.205A>G, p.Thr69Ala (NM_001282543.2); c.262A>G, p.Thr88Ala (NM_001282549.2); c.158+17013A>G (NM_001282548.2); c.215+4662A>G (NM_001282545.2); short protein forms T88A, T69A.
Identifiers: ClinVar variation 2125807 (VCV002125807.4), dbSNP rs2106135120, ClinGen allele CA350461162.

ClinVar aggregate classification (germline): Uncertain significance (1 of 4 stars; one submission).

Conditions:
Familial cancer of breast. Also called: hereditary breast carcinoma; BREAST CANCER, FAMILIAL; Hereditary breast cancer. Identifiers: Orphanet 227535, MedGen C0346153, MONDO:0016419, OMIM 114480. Disease mechanism: loss of function.

Allele frequency attached by ClinVar (database versions not stated): gnomAD exomes below 0.00001.
gnomAD v4.1: 2 of 1,611,572 alleles (0.00012%); highest among the groups gnomAD compares: Non-Finnish European, 0.00017%; no homozygotes.

Submission:

Labcorp Genetics (formerly Invitae), Labcorp
Classification: Uncertain significance for Familial cancer of breast. Last evaluated: 2022-11-01. Review status: criteria provided, single submitter. Criteria: Invitae Variant Classification Sherloc (09022015). Collection method: clinical testing. Allele origin: germline.
Comment: In summary, the available evidence is currently insufficient to determine the role of this variant in disease. Therefore, it has been classified as a Variant of Uncertain Significance. Algorithms developed to predict the effect of missense changes on protein structure and function are either unavailable or do not agree on the potential impact of this missense change (SIFT: "Deleterious"; PolyPhen-2: "Possibly Damaging"; Align-GVGD: "Class C0"). This variant has not been reported in the literature in individuals affected with BARD1-related conditions. This variant is not present in population databases (gnomAD no frequency). This sequence change replaces threonine, which is neutral and polar, with alanine, which is neutral and non-polar, at codon 88 of the BARD1 protein (p.Thr88Ala).